The following is an entry in ClinVar:

NM_020631.6(PLEKHG5):c.187A>T (p.Lys63Ter)

Gene: PLEKHG5 (pleckstrin homology and RhoGEF domain containing G5; minus strand). Cytogenetic location: 1p36.31.
Variant type: single nucleotide variant.
Coding change: c.187A>T on transcript NM_020631.6 (MANE Select); coding-DNA position 187, A replaced by T.
Protein change: p.Lys63Ter; replaces lysine 63 with a stop codon.
Molecular consequence: nonsense.
Genome position (GRCh38, 1-based): chr1:6,475,485, T>A on the plus strand (A>T on the coding strand, the complement: PLEKHG5 is on the minus strand). VCF-style: chr1-6475485-T-A. GRCh37 (hg19) VCF-style: chr1-6535545-T-A.
Other names: c.298A>T, p.Lys100Ter (NM_001042663.3, NM_001265592.2); c.187A>T, p.Lys63Ter (NM_001042664.2, NM_001042665.2, NM_001265594.3 and 1 more transcripts); c.394A>T, p.Lys132Ter (NM_001265593.2); short protein forms K100*, K132*, K63*.
Identifiers: ClinVar variation 2950547 (VCV002950547.3), dbSNP rs2523229122, ClinGen allele CA338140536.

ClinVar aggregate classification (germline): Pathogenic (1 of 4 stars; one submission).

Conditions:
Charcot-Marie-Tooth disease recessive intermediate C. Also called: CHARCOT-MARIE-TOOTH NEUROPATHY, RECESSIVE INTERMEDIATE C. Identifiers: Orphanet 369867, MedGen C3809309, MONDO:0014154, OMIM 615376.
Neuronopathy, distal hereditary motor, autosomal recessive 4. Also called: NEUROPATHY, DISTAL HEREDITARY MOTOR, AUTOSOMAL RECESSIVE 4; Autosomal recessive lower motor neuron disease with childhood onset. Identifiers: Orphanet 206580, MedGen C1970211, MONDO:0012608, OMIM 611067.

Submission:

Labcorp Genetics (formerly Invitae), Labcorp
Classification: Pathogenic for Neuronopathy, distal hereditary motor, autosomal recessive 4; Charcot-Marie-Tooth disease recessive intermediate C. Last evaluated: 2023-08-01. Review status: criteria provided, single submitter. Criteria: Invitae Variant Classification Sherloc (09022015). Collection method: clinical testing. Allele origin: germline.
Comment: This variant is not present in population databases (gnomAD no frequency). This sequence change creates a premature translational stop signal (p.Lys63*) in the PLEKHG5 gene. It is expected to result in an absent or disrupted protein product. Loss-of-function variants in PLEKHG5 are known to be pathogenic (PMID: 17564964, 23777631). For these reasons, this variant has been classified as Pathogenic. Algorithms developed to predict the effect of sequence changes on RNA splicing suggest that this variant may create or strengthen a splice site. This variant has not been reported in the literature in individuals affected with PLEKHG5-related conditions.

Literature cited by the submitters: PubMed 17564964; PubMed 23777631.